The following is an entry in ClinVar:

ClinVar aggregate classification (germline): Likely benign. Review status: criteria provided, multiple submitters, no conflicts (2 of 4 stars). 6 submissions from 6 submitters: Likely benign (6). Last evaluated 2025-04-14.

Conditions:
Cardiovascular phenotype. Identifiers: MedGen CN230736.
Cardiac arrhythmia. Also called: Arrhythmia; Cardiac rhythm disease. Identifiers: MedGen C0003811, MONDO:0007263, HP:0011675.
Long QT syndrome (LQTS). Identifiers: MedGen C0023976, MeSH D008133, MONDO:0002442. Disease mechanism: loss of function. Inheritance: Various modes of inheritance.

Allele frequency attached by ClinVar (database versions not stated): TOPMed 0.00002.
gnomAD v4.1: 36 of 1,606,846 alleles (0.0022%); highest among the groups gnomAD compares: Non-Finnish European, 0.0031%; no homozygotes.

Submissions (6):

Ambry Genetics
Classification: Likely benign for Cardiovascular phenotype. Last evaluated: 2025-04-14. Review status: criteria provided, single submitter. Criteria: Ambry Variant Classification Scheme 2023. Collection method: clinical testing. Allele origin: germline.

Labcorp Genetics (formerly Invitae), Labcorp
Classification: Likely benign for Long QT syndrome. Last evaluated: 2025-02-09. Review status: criteria provided, single submitter. Criteria: Invitae Variant Classification Sherloc (09022015). Collection method: clinical testing. Allele origin: germline.

All of Us Research Program, National Institutes of Health
Classification: Likely benign for Long QT syndrome. Last evaluated: 2023-08-28. Review status: criteria provided, single submitter. Criteria: ACMG Guidelines, 2015. Collection method: clinical testing. Allele origin: germline. Inheritance: Autosomal dominant inheritance. Observed: 1 variant allele, 1 heterozygote.
Comment: This study involves interpretation of variants in research participants for the purpose of population health screening. Participant phenotype was not available at the time of variant classification. Additional details can be found in publication PMID: 35346344, PMCID: PMC8962531

Blueprint Genetics
Classification: Likely benign. Last evaluated: 2023-02-03. Review status: criteria provided, single submitter. Criteria: ACMG Guidelines, 2015. Collection method: clinical testing. Allele origin: germline.

Color Diagnostics, LLC DBA Color Health
Classification: Likely benign for Arrhythmia. Last evaluated: 2018-12-31. Review status: criteria provided, single submitter. Criteria: ACMG Guidelines, 2015. Collection method: clinical testing. Allele origin: germline.

GeneDx
Classification: Likely benign. Last evaluated: 2017-02-02. Review status: criteria provided, single submitter. Criteria: GeneDx Variant Classification (06012015). Collection method: clinical testing. Allele origin: germline. Affected: yes.
Comment: This variant is considered likely benign or benign based on one or more of the following criteria: it is a conservative change, it occurs at a poorly conserved position in the protein, it is predicted to be benign by multiple in silico algorithms, and/or has population frequency not consistent with disease.

NM_000238.4(KCNH2):c.2901G>T (p.Pro967=)

Gene: KCNH2 (potassium voltage-gated channel subfamily H member 2; minus strand). Cytogenetic location: 7q36.1.
Variant type: single nucleotide variant.
Coding change: c.2901G>T on transcript NM_000238.4 (MANE Select); coding-DNA position 2901, G replaced by T.
Protein change: p.Pro967=; no amino-acid change (proline 967 retained).
Molecular consequence: synonymous variant.
Genome position (GRCh38, 1-based): chr7:150,947,670, C>A on the plus strand (G>T on the coding strand, the complement: KCNH2 is on the minus strand). VCF-style: chr7-150947670-C-A. GRCh37 (hg19) VCF-style: chr7-150644758-C-A.
Other names: c.1881G>T, p.Pro627= (NM_172057.3).
Identifiers: ClinVar variation 237297 (VCV000237297.18), dbSNP rs780481239, ClinGen allele CA035383.